The following is an entry in ClinVar:

ClinVar aggregate classification (germline): Uncertain significance (1 of 4 stars; one submission).

Allele frequency attached by ClinVar (database versions not stated): gnomAD exomes 0.00001; ExAC 0.00002; gnomAD 0.00005; TOPMed 0.00005.
gnomAD v4.1: 21 of 1,613,788 alleles (0.0013%); highest among the groups gnomAD compares: African/African-American, 0.024%; no homozygotes.

Submission:

Labcorp Genetics (formerly Invitae), Labcorp
Classification: Uncertain significance. Last evaluated: 2022-07-09. Review status: criteria provided, single submitter. Criteria: Invitae Variant Classification Sherloc (09022015). Collection method: clinical testing. Allele origin: germline.
Comment: This sequence change replaces arginine, which is basic and polar, with lysine, which is basic and polar, at codon 1226 of the DNAH9 protein (p.Arg1226Lys). This variant is present in population databases (rs764552694, gnomAD 0.008%). This variant has not been reported in the literature in individuals affected with DNAH9-related conditions. Algorithms developed to predict the effect of missense changes on protein structure and function output the following: SIFT: "Tolerated"; PolyPhen-2: "Benign"; Align-GVGD: "Class C0". The lysine amino acid residue is found in multiple mammalian species, which suggests that this missense change does not adversely affect protein function. In summary, the available evidence is currently insufficient to determine the role of this variant in disease. Therefore, it has been classified as a Variant of Uncertain Significance.

NM_001372.4(DNAH9):c.3677G>A (p.Arg1226Lys)

Gene: DNAH9 (dynein axonemal heavy chain 9; plus strand). Cytogenetic location: 17p12.
Variant type: single nucleotide variant.
Coding change: c.3677G>A on transcript NM_001372.4 (MANE Select); coding-DNA position 3677, G replaced by A.
Protein change: p.Arg1226Lys; replaces arginine 1226 with lysine.
Molecular consequence: missense variant.
Genome position (GRCh38, 1-based): chr17:11,680,823, G>A. VCF-style: chr17-11680823-G-A. GRCh37 (hg19) VCF-style: chr17-11584140-G-A.
Other names: short protein forms R1226K.
Identifiers: ClinVar variation 2180128 (VCV002180128.1), dbSNP rs764552694, ClinGen allele CA8395508.
Genomic context (GRCh38, chr17:11,680,823, plus strand): 5'-TTACTGTGAAGCAGCAGGTGGCCCCACTGCAGGCAAATGAAGTGACACTCCTCCGCCAGA[G>A]GTGCACAGCCTTCGATGCAGAACAGCAGCAATTCTGGGAGCAATTCCACAAAGAAGCCCC-3'
Protein context (NP_001363.2, residues 1216-1236): QANEVTLLRQ[Arg1226Lys]CTAFDAEQQQ